The following is an entry in ClinVar:

ClinVar aggregate classification (germline): Uncertain significance. Review status: criteria provided, multiple submitters, no conflicts (2 of 4 stars). 7 submissions from 7 submitters: Uncertain significance (6). 1 of the submissions does not count toward it. Last evaluated 2026-02-17.

Conditions:
Inborn genetic diseases. Identifiers: MedGen C0950123, MeSH D030342.
Hermansky-Pudlak syndrome 6 (HPS6). Identifiers: Orphanet 231512, Orphanet 79430, MedGen C3888007, MONDO:0013558, OMIM 614075.

Allele frequency attached by ClinVar (database versions not stated): TOPMed 0.00002; gnomAD 0.00003; gnomAD exomes 0.00005; ExAC 0.00006.

Submissions (7):

Women's Health and Genetics/Laboratory Corporation of America, LabCorp
Classification: Uncertain significance. Last evaluated: 2026-02-17. Review status: criteria provided, single submitter. Criteria: LabCorp Variant Classification Summary - May 2015. Collection method: clinical testing. Allele origin: germline.
Comment: Variant summary: HPS6 c.1755G>T (p.Glu585Asp) results in a conservative amino acid change in the encoded protein sequence. Algorithms developed to predict the effect of missense changes on protein structure and function all suggest that this variant is likely to be tolerated. The variant allele was found at a frequency of 4.9e-05 in 246476 control chromosomes. This frequency is not significantly higher than estimated for disease-causing variants in HPS6, allowing no conclusion about variant significance. To our knowledge, no occurrence of c.1755G>T in individuals affected with HPS6-related conditions and no experimental evidence demonstrating its impact on protein function have been reported. ClinVar contains an entry for this variant (Variation ID: 880436). Based on the evidence outlined above, the variant was classified as uncertain significance.

Blueprint Genetics
Classification: Uncertain significance. Last evaluated: 2024-09-20. Review status: criteria provided, single submitter. Criteria: ACMG Guidelines, 2015. Collection method: clinical testing. Allele origin: germline.

Ambry Genetics
Classification: Uncertain significance for Inborn genetic diseases. Last evaluated: 2023-05-24. Review status: criteria provided, single submitter. Criteria: Ambry Variant Classification Scheme 2023. Collection method: clinical testing. Allele origin: germline.

Department of Pathology and Laboratory Medicine, Sinai Health System
Classification: Uncertain significance for Hermansky-Pudlak syndrome 6. Last evaluated: 2022-10-19. Review status: criteria provided, single submitter. Criteria: ACMG Guidelines, 2015. Collection method: research. Allele origin: germline.

Labcorp Genetics (formerly Invitae), Labcorp
Classification: Uncertain significance. Last evaluated: 2022-10-17. Review status: criteria provided, single submitter. Criteria: Invitae Variant Classification Sherloc (09022015). Collection method: clinical testing. Allele origin: germline.
Comment: This sequence change replaces glutamic acid, which is acidic and polar, with aspartic acid, which is acidic and polar, at codon 585 of the HPS6 protein (p.Glu585Asp). This variant is present in population databases (rs781537152, gnomAD 0.01%). This variant has not been reported in the literature in individuals affected with HPS6-related conditions. ClinVar contains an entry for this variant (Variation ID: 880436). Advanced modeling of protein sequence and biophysical properties (such as structural, functional, and spatial information, amino acid conservation, physicochemical variation, residue mobility, and thermodynamic stability) performed at Invitae indicates that this missense variant is not expected to disrupt HPS6 protein function. In summary, the available evidence is currently insufficient to determine the role of this variant in disease. Therefore, it has been classified as a Variant of Uncertain Significance.

Illumina Laboratory Services, Illumina
Classification: Uncertain significance for Hermansky-Pudlak syndrome 6. Last evaluated: 2018-01-12. Review status: criteria provided, single submitter. Criteria: ICSL Variant Classification Criteria 13 December 2019. Collection method: clinical testing. Allele origin: germline.

Zotz-Klimas Genetics Lab, MVZ Zotz Klimas
Classification: Uncertain significance for Hermansky-Pudlak syndrome 6. Last evaluated: 2023-10-30. Review status: no assertion criteria provided. Collection method: clinical testing. Allele origin: germline. Affected: yes. Not counted in ClinVar's aggregate classification.

NM_024747.6(HPS6):c.1755G>T (p.Glu585Asp)

Gene: HPS6 (HPS6 biogenesis of lysosomal organelles complex 2 subunit 3; plus strand). Cytogenetic location: 10q24.32.
Variant type: single nucleotide variant.
Coding change: c.1755G>T on transcript NM_024747.6 (MANE Select); coding-DNA position 1755, G replaced by T.
Protein change: p.Glu585Asp; replaces glutamic acid 585 with aspartic acid.
Molecular consequence: missense variant.
Genome position (GRCh38, 1-based): chr10:102,067,229, G>T. VCF-style: chr10-102067229-G-T. GRCh37 (hg19) VCF-style: chr10-103826986-G-T.
Other names: short protein forms E585D.
Identifiers: ClinVar variation 880436 (VCV000880436.14), dbSNP rs781537152, ClinGen allele CA5660028.